The following is an entry in ClinVar:

NM_001372043.1(PCSK5):c.4683G>C (p.Gln1561His)

Gene: PCSK5 (proprotein convertase subtilisin/kexin type 5; plus strand). Cytogenetic location: 9q21.13.
Variant type: single nucleotide variant.
Coding change: c.4683G>C on transcript NM_001372043.1 (MANE Select); coding-DNA position 4683, G replaced by C.
Protein change: p.Gln1561His; replaces glutamine 1561 with histidine.
Molecular consequence: missense variant.
Genome position (GRCh38, 1-based): chr9:76,332,545, G>C. VCF-style: chr9-76332545-G-C. GRCh37 (hg19) VCF-style: chr9-78947461-G-C.
Other names: c.4602G>C, p.Gln1534His (NM_001190482.2); short protein forms Q1534H, Q1561H.
Identifiers: ClinVar variation 3044632 (VCV003044632.2), dbSNP rs146437583, ClinGen allele CA5087978.

ClinVar aggregate classification (germline): Likely benign (0 of 4 stars; one submission).

Conditions:
PCSK5-related disorder. Also called: PCSK5-related condition.

Allele frequency attached by ClinVar (database versions not stated): ExAC 0.00150; ESP Exome Variant Server 0.00384; gnomAD 0.00392; 1000 Genomes Project 0.00439; TOPMed 0.00444; 1000 Genomes Project 30x 0.00484.
gnomAD v4.1: 1,544 of 1,612,438 alleles (0.096%); highest among the groups gnomAD compares: African/African-American, 1.3%; 10 homozygotes.

Submission:

PreventionGenetics, part of Exact Sciences
Classification: Likely benign for PCSK5-related condition. Last evaluated: 2020-06-05. Review status: no assertion criteria provided. Collection method: clinical testing. Allele origin: germline.
Comment: This variant is classified as likely benign based on ACMG/AMP sequence variant interpretation guidelines (Richards et al. 2015 PMID: 25741868, with internal and published modifications).